The following is an entry in ClinVar:

ClinVar aggregate classification (germline): Uncertain significance (1 of 4 stars; one submission).

Conditions:
Pierpont syndrome (PRPTS). Identifiers: Orphanet 487825, MedGen C1865644, MONDO:0011213, OMIM 602342.

Submission:

Labcorp Genetics (formerly Invitae), Labcorp
Classification: Uncertain significance for Pierpont syndrome. Last evaluated: 2024-10-22. Review status: criteria provided, single submitter. Criteria: Invitae Variant Classification Sherloc (09022015). Collection method: clinical testing. Allele origin: germline.
Comment: This sequence change replaces cysteine, which is neutral and slightly polar, with serine, which is neutral and polar, at codon 334 of the TBL1XR1 protein (p.Cys334Ser). This variant is not present in population databases (gnomAD no frequency). This variant has not been reported in the literature in individuals affected with TBL1XR1-related conditions. Invitae Evidence Modeling of protein sequence and biophysical properties (such as structural, functional, and spatial information, amino acid conservation, physicochemical variation, residue mobility, and thermodynamic stability) indicates that this missense variant is expected to disrupt TBL1XR1 protein function with a positive predictive value of 95%. In summary, the available evidence is currently insufficient to determine the role of this variant in disease. Therefore, it has been classified as a Variant of Uncertain Significance.

NM_024665.7(TBL1XR1):c.1000T>A (p.Cys334Ser)

Genes: TBL1XR1 (TBL1X/Y related 1; minus strand), TBL1XR1-AS1 (TBL1XR1 antisense RNA 1; plus strand), LOC126806878 (CDK7 strongly-dependent group 2 enhancer GRCh37_chr3:176755168-176756367; plus strand). Cytogenetic location: 3q26.32.
Variant type: single nucleotide variant.
Coding change: c.1000T>A on transcript NM_024665.7 (MANE Select); coding-DNA position 1000, T replaced by A.
Protein change: p.Cys334Ser; replaces cysteine 334 with serine.
Molecular consequence: missense variant.
Genome position (GRCh38, 1-based): chr3:177,038,360, A>T on the plus strand (T>A on the coding strand, the complement: TBL1XR1 is on the minus strand). VCF-style: chr3-177038360-A-T. GRCh37 (hg19) VCF-style: chr3-176756148-A-T.
Other names: c.1000T>A, p.Cys334Ser (NM_001321193.3, NM_001321194.3, NM_001374327.1 and 2 more transcripts); c.739T>A, p.Cys247Ser (NM_001321195.3, NM_001374330.1); short protein forms C247S, C334S.
Identifiers: ClinVar variation 3635802 (VCV003635802.2).